The following is an entry in ClinVar:

NM_001348323.3(TRIP12):c.4257G>A (p.Leu1419=)

Gene: TRIP12 (thyroid hormone receptor interactor 12; minus strand). Cytogenetic location: 2q36.3.
Variant type: single nucleotide variant.
Coding change: c.4257G>A on transcript NM_001348323.3 (MANE Select); coding-DNA position 4257, G replaced by A.
Protein change: p.Leu1419=; no amino-acid change (leucine 1419 retained).
Molecular consequence: synonymous variant.
Genome position (GRCh38, 1-based): chr2:229,792,024, C>T on the plus strand (G>A on the coding strand, the complement: TRIP12 is on the minus strand). VCF-style: chr2-229792024-C-T. GRCh37 (hg19) VCF-style: chr2-230656740-C-T.
Other names: c.4176G>A, p.Leu1392= (NM_001284214.2, NM_001348315.2); c.4131G>A, p.Leu1377= (NM_001284215.2, NM_001348316.2); c.3222G>A, p.Leu1074= (NM_001284216.2); c.4116G>A, p.Leu1372= (NM_001348317.1, NM_001348318.2); c.4242G>A, p.Leu1414= (NM_001348319.1, NM_001348320.2); c.4245G>A, p.Leu1415= (NM_001348321.1); c.4257G>A, p.Leu1419= (NM_001348322.1, NM_001348324.2, NM_001348325.2 and 2 more transcripts); c.4260G>A, p.Leu1420= (NM_001348328.1, NM_001348329.2, NM_001348330.2); and 4 more.
Identifiers: ClinVar variation 3046247 (VCV003046247.2), dbSNP rs775671065, ClinGen allele CA2152562.
Genomic context (GRCh38, chr2:229,792,024, plus strand): 5'-CCGTACTGCCTGATACACAGTCATGTTATACGGCAGCAAATGTTCTCCAATATAAAACTG[C>T]AGCCTGTGTCTTACATTTCCTGAATTTAGGAACTGAGCAGCCTGAATAAAGCAAAGCAAA-3'
Protein context (NP_001335252.1, residues 1409-1429): FLNSGNVRHR[Leu1419=]QFYIGEHLLP

ClinVar aggregate classification (germline): Likely benign (0 of 4 stars; one submission).

Conditions:
TRIP12-related disorder. Also called: TRIP12-related condition.

Allele frequency attached by ClinVar (database versions not stated): gnomAD 0.00003; TOPMed 0.00003; ExAC 0.00004; gnomAD exomes 0.00005.
gnomAD v4.1: 73 of 1,614,012 alleles (0.0045%); highest among the groups gnomAD compares: Non-Finnish European, 0.0057%; no homozygotes.

Submission:

PreventionGenetics, part of Exact Sciences
Classification: Likely benign for TRIP12-related condition. Last evaluated: 2024-02-08. Review status: no assertion criteria provided. Collection method: clinical testing. Allele origin: germline.
Comment: This variant is classified as likely benign based on ACMG/AMP sequence variant interpretation guidelines (Richards et al. 2015 PMID: 25741868, with internal and published modifications).